The following is an entry in ClinVar:

NM_006343.3(MERTK):c.61+6T>C

Gene: MERTK (MER proto-oncogene, tyrosine kinase; plus strand). Cytogenetic location: 2q13.
Variant type: single nucleotide variant.
Coding change: c.61+6T>C on transcript NM_006343.3 (MANE Select); 6 bases into the intron after coding-DNA position 61, T replaced by C.
Molecular consequence: intron variant.
Genome position (GRCh38, 1-based): chr2:111,898,802, T>C. VCF-style: chr2-111898802-T-C. GRCh37 (hg19) VCF-style: chr2-112656379-T-C.
Identifiers: ClinVar variation 968147 (VCV000968147.6), dbSNP rs913971460, ClinGen allele CA53582123.

ClinVar aggregate classification (germline): Uncertain significance (1 of 4 stars; one submission).

Allele frequency attached by ClinVar (database versions not stated): gnomAD 0.00002; TOPMed 0.00002.
gnomAD v4.1: 8 of 1,586,124 alleles (0.0005%); highest among the groups gnomAD compares: African/African-American, 0.0027%; no homozygotes.

Submission:

Labcorp Genetics (formerly Invitae), Labcorp
Classification: Uncertain significance. Last evaluated: 2024-10-08. Review status: criteria provided, single submitter. Criteria: Invitae Variant Classification Sherloc (09022015). Collection method: clinical testing. Allele origin: germline.
Comment: This sequence change falls in intron 1 of the MERTK gene. It does not directly change the encoded amino acid sequence of the MERTK protein. It affects a nucleotide within the consensus splice site. This variant is not present in population databases (gnomAD no frequency). This variant has not been reported in the literature in individuals affected with MERTK-related conditions. ClinVar contains an entry for this variant (Variation ID: 968147). Variants that disrupt the consensus splice site are a relatively common cause of aberrant splicing (PMID: 17576681, 9536098). Algorithms developed to predict the effect of sequence changes on RNA splicing suggest that this variant is not likely to affect RNA splicing. In summary, the available evidence is currently insufficient to determine the role of this variant in disease. Therefore, it has been classified as a Variant of Uncertain Significance.

Literature cited by the submitters: PubMed 17576681; PubMed 9536098.